The following is an entry in ClinVar:

NM_006206.6(PDGFRA):c.1333A>G (p.Ile445Val)

Gene: PDGFRA (platelet derived growth factor receptor alpha; plus strand). Cytogenetic location: 4q12.
Variant type: single nucleotide variant.
Coding change: c.1333A>G on transcript NM_006206.6 (MANE Select); coding-DNA position 1333, A replaced by G.
Protein change: p.Ile445Val; replaces isoleucine 445 with valine.
Molecular consequence: missense variant.
Genome position (GRCh38, 1-based): chr4:54,272,489, A>G. VCF-style: chr4-54272489-A-G. GRCh37 (hg19) VCF-style: chr4-55138656-A-G.
Other names: c.1333A>G (NM_006206.4); c.1333A>G, p.Ile445Val (NM_001347827.2, NM_001347829.2); c.1408A>G, p.Ile470Val (NM_001347828.2); c.1372A>G, p.Ile458Val (NM_001347830.2); short protein forms I445V, I458V, I470V.
Identifiers: ClinVar variation 1506212 (VCV001506212.9), dbSNP rs2110287386, ClinGen allele CA356892323.
Genomic context (GRCh38, chr4:54,272,489, plus strand): 5'-CATGGCTCAACTGGGGGACAGACGGTGAGGTGCACAGCTGAAGGCACGCCGCTTCCTGAT[A>G]TTGAGTGGATGATATGCAAAGATATTAAGAAGTATGGAAAACAGATGTGTCTTCTTCTTT-3'
Protein context (NP_006197.1, residues 435-455): CTAEGTPLPD[Ile445Val]EWMICKDIKK

ClinVar aggregate classification (germline): Uncertain significance. Review status: criteria provided, multiple submitters, no conflicts (2 of 4 stars). 2 submissions from 2 submitters: Uncertain significance (2). Last evaluated 2025-03-15.

Conditions:
Gastrointestinal stromal tumor. Also called: Gastrointestinal stromal tumor, somatic; Gastrointestinal stroma tumor. Identifiers: Orphanet 44890, MedGen C0238198, MeSH D046152, MONDO:0011719, OMIM 606764, HP:0100723.
Hereditary cancer-predisposing syndrome. Also called: Tumor predisposition; Neoplastic Syndromes, Hereditary; Hereditary Cancer Syndrome; Hereditary neoplastic syndrome. Identifiers: Orphanet 140162, MedGen C0027672, MeSH D009386, MONDO:0015356.

Submissions (2):

Ambry Genetics
Classification: Uncertain significance for Hereditary cancer-predisposing syndrome. Last evaluated: 2025-03-15. Review status: criteria provided, single submitter. Criteria: Ambry Variant Classification Scheme 2023. Collection method: clinical testing. Allele origin: germline.
Comment: The p.I445V variant (also known as c.1333A>G), located in coding exon 8 of the PDGFRA gene, results from an A to G substitution at nucleotide position 1333. The isoleucine at codon 445 is replaced by valine, an amino acid with highly similar properties. This amino acid position is conserved. In addition, this alteration is predicted to be tolerated by in silico analysis. Based on the available evidence, the clinical significance of this variant remains unclear.

Labcorp Genetics (formerly Invitae), Labcorp
Classification: Uncertain significance for Gastrointestinal stromal tumor. Last evaluated: 2021-01-31. Review status: criteria provided, single submitter. Criteria: Invitae Variant Classification Sherloc (09022015). Collection method: clinical testing. Allele origin: germline.
Comment: This variant has not been reported in the literature in individuals with PDGFRA-related conditions. This variant is not present in population databases (ExAC no frequency). This sequence change replaces isoleucine with valine at codon 445 of the PDGFRA protein (p.Ile445Val). The isoleucine residue is moderately conserved and there is a small physicochemical difference between isoleucine and valine. Algorithms developed to predict the effect of missense changes on protein structure and function output the following: SIFT: "Tolerated"; PolyPhen-2: "Benign"; Align-GVGD: "Class C0". The valine amino acid residue is found in multiple mammalian species, suggesting that this missense change does not adversely affect protein function. These predictions have not been confirmed by published functional studies and their clinical significance is uncertain. In summary, the available evidence is currently insufficient to determine the role of this variant in disease. Therefore, it has been classified as a Variant of Uncertain Significance.